The following is an entry in ClinVar:

NM_005639.3(SYT1):c.845G>A (p.Arg282His)

Gene: SYT1 (synaptotagmin 1; plus strand). Cytogenetic location: 12q21.2.
Variant type: single nucleotide variant.
Coding change: c.845G>A on transcript NM_005639.3 (MANE Select); coding-DNA position 845, G replaced by A.
Protein change: p.Arg282His; replaces arginine 282 with histidine.
Molecular consequence: missense variant.
Genome position (GRCh38, 1-based): chr12:79,353,536, G>A. VCF-style: chr12-79353536-G-A. GRCh37 (hg19) VCF-style: chr12-79747316-G-A.
Other names: c.845G>A, p.Arg282His (NM_001135805.2, NM_001135806.2); c.836G>A, p.Arg279His (NM_001291901.2); c.845G>A (NM_005639.2); short protein forms R279H, R282H.
Identifiers: ClinVar variation 1012827 (VCV001012827.40), dbSNP rs1882993257, ClinGen allele CA385930428.

ClinVar aggregate classification (germline): Conflicting classifications of pathogenicity. Review status: criteria provided, conflicting classifications (1 of 4 stars). 4 submissions from 4 submitters: Likely pathogenic (1); Uncertain significance (3). Last evaluated 2026-03-05.

Conditions:
Infantile hypotonia-oculomotor anomalies-hyperkinetic movements-developmental delay syndrome. Also called: BAKER-GORDON SYNDROME; NEURODEVELOPMENTAL DISORDER WITH INVOLUNTARY MOVEMENT AND ABNORMAL ELECTROENCEPHALOGRAM. Identifiers: Orphanet 522077, MedGen C4748715, MONDO:0033864, OMIM 618218.

Submissions (4):

Mendelics
Classification: Uncertain significance for Infantile hypotonia-oculomotor anomalies-hyperkinetic movements-developmental delay syndrome. Last evaluated: 2026-03-05. Review status: criteria provided, single submitter. Criteria: ACMG Guidelines, 2015. Collection method: clinical testing. Allele origin: unknown.
Comment: The available evidence is insufficient to conclusively determine the role of this variant. Therefore, it is classified as a Variant of Uncertain Significance.

GeneDx
Classification: Uncertain significance. Last evaluated: 2023-05-30. Review status: criteria provided, single submitter. Criteria: GeneDx Variant Classification Process June 2021. Collection method: clinical testing. Allele origin: germline. Affected: yes.
Comment: Not observed at significant frequency in large population cohorts (gnomAD); In silico analysis supports that this missense variant has a deleterious effect on protein structure/function; Has not been previously published as pathogenic or benign to our knowledge

CeGaT Center for Human Genetics Tuebingen
Classification: Likely pathogenic. Last evaluated: 2020-10-01. Review status: criteria provided, single submitter. Criteria: CeGaT Center For Human Genetics Tuebingen Variant Classification Criteria Version 2. Collection method: clinical testing. Allele origin: germline. Affected: yes. Observed: 1 variant allele.

Institute of Human Genetics, University Hospital of Duesseldorf
Classification: Uncertain significance for Infantile hypotonia-oculomotor anomalies-hyperkinetic movements-developmental delay syndrome. Review status: criteria provided, single submitter. Criteria: ACMG Guidelines, 2015. Collection method: not provided. Allele origin: germline. Inheritance: Autosomal dominant inheritance. Affected: yes.